The following is an entry in ClinVar:

ClinVar aggregate classification (germline): Conflicting classifications of pathogenicity. Review status: criteria provided, conflicting classifications (1 of 4 stars). 5 submissions from 5 submitters: Uncertain significance (1); Likely benign (4). Last evaluated 2025-09-05.

Conditions:
Emery-Dreifuss muscular dystrophy 4, autosomal dominant (EDMD4). Also called: EMERY-DREIFUSS MUSCULAR DYSTROPHY 4 WITH VARIABLE FEATURES. Identifiers: Orphanet 261, MedGen C2751807, MONDO:0013071, OMIM 612998.
Autosomal recessive ataxia, Beauce type. Also called: SYNE1 Deficiency; Spinocerebellar ataxia, autosomal recessive 8; ATAXIA, RECESSIVE, OF BEAUCE; SYNE1-Related Autosomal Recessive Cerebellar Ataxia. Identifiers: Orphanet 88644, MedGen C1853116, MONDO:0012549, OMIM 610743.

Allele frequency attached by ClinVar (database versions not stated): ExAC 0.00006; gnomAD exomes 0.00006 and 0.00004; ESP Exome Variant Server 0.00008; 1000 Genomes Project 30x 0.00016; 1000 Genomes Project 0.00020; gnomAD 0.00003; TOPMed 0.00003.
gnomAD v4.1: 94 of 1,614,148 alleles (0.0058%); highest among the groups gnomAD compares: Non-Finnish European, 0.0075%; 1 homozygote.

Submissions (5):

Labcorp Genetics (formerly Invitae), Labcorp
Classification: Likely benign for Emery-Dreifuss muscular dystrophy 4, autosomal dominant; Autosomal recessive ataxia, Beauce type. Last evaluated: 2025-09-05. Review status: criteria provided, single submitter. Criteria: Invitae Variant Classification Sherloc (09022015). Collection method: clinical testing. Allele origin: germline.

CeGaT Center for Human Genetics Tuebingen
Classification: Likely benign. Last evaluated: 2024-04-01. Review status: criteria provided, single submitter. Criteria: CeGaT Center For Human Genetics Tuebingen Variant Classification Criteria Version 2. Collection method: clinical testing. Allele origin: germline. Affected: yes. Observed: 2 variant alleles.
Comment: SYNE1: BP4, BP7

Blueprint Genetics
Classification: Likely benign. Last evaluated: 2023-11-03. Review status: criteria provided, single submitter. Criteria: ACMG Guidelines, 2015. Collection method: clinical testing. Allele origin: germline.

Eurofins Ntd Llc (ga)
Classification: Uncertain significance. Last evaluated: 2018-02-08. Review status: criteria provided, single submitter. Criteria: EGL Classification Definitions 2015. Collection method: clinical testing. Allele origin: germline. Observed: 1 variant allele, 1 heterozygote.

Athena Diagnostics
Classification: Likely benign. Last evaluated: 2016-09-30. Review status: criteria provided, single submitter. Criteria: Athena Diagnostics Criteria. Collection method: clinical testing. Allele origin: germline.

NM_182961.4(SYNE1):c.11247G>A (p.Thr3749=)

Gene: SYNE1 (spectrin repeat containing nuclear envelope protein 1; minus strand). Cytogenetic location: 6q25.2.
Variant type: single nucleotide variant.
Coding change: c.11247G>A on transcript NM_182961.4 (MANE Select); coding-DNA position 11247, G replaced by A.
Protein change: p.Thr3749=; no amino-acid change (threonine 3749 retained).
Molecular consequence: synonymous variant.
Genome position (GRCh38, 1-based): chr6:152,353,269, C>T on the plus strand (G>A on the coding strand, the complement: SYNE1 is on the minus strand). VCF-style: chr6-152353269-C-T. GRCh37 (hg19) VCF-style: chr6-152674404-C-T.
Other names: c.11202G>A, p.Thr3734= (NM_033071.5).
Identifiers: ClinVar variation 448543 (VCV000448543.42), dbSNP rs138882800, ClinGen allele CA4056744.